The following is an entry in ClinVar:

NM_005530.3(IDH3A):c.478-3C>T

Gene: IDH3A (isocitrate dehydrogenase (NAD(+)) 3 catalytic subunit alpha; plus strand). Cytogenetic location: 15q25.1.
Variant type: single nucleotide variant.
Coding change: c.478-3C>T on transcript NM_005530.3 (MANE Select); 3 bases into the intron before coding-DNA position 478, C replaced by T.
Molecular consequence: intron variant.
Genome position (GRCh38, 1-based): chr15:78,162,231, C>T. VCF-style: chr15-78162231-C-T. GRCh37 (hg19) VCF-style: chr15-78454573-C-T.
Identifiers: ClinVar variation 1975343 (VCV001975343.5), dbSNP rs1222580945, ClinGen allele CA619210076.

ClinVar aggregate classification (germline): Uncertain significance (1 of 4 stars; one submission).

Allele frequency attached by ClinVar (database versions not stated): gnomAD 0.00001; TOPMed 0.00001.
gnomAD v4.1: 3 of 1,614,002 alleles (0.00019%); highest among the groups gnomAD compares: Admixed American, 0.005%; no homozygotes.

Submission:

Labcorp Genetics (formerly Invitae), Labcorp
Classification: Uncertain significance. Last evaluated: 2022-05-08. Review status: criteria provided, single submitter. Criteria: Invitae Variant Classification Sherloc (09022015). Collection method: clinical testing. Allele origin: germline.
Comment: In summary, the available evidence is currently insufficient to determine the role of this variant in disease. Therefore, it has been classified as a Variant of Uncertain Significance. Variants that disrupt the consensus splice site are a relatively common cause of aberrant splicing (PMID: 17576681, 9536098). Algorithms developed to predict the effect of sequence changes on RNA splicing suggest that this variant is not likely to affect RNA splicing. This variant has not been reported in the literature in individuals affected with IDH3A-related conditions. This variant is present in population databases (no rsID available, gnomAD 0.006%). This sequence change falls in intron 5 of the IDH3A gene. It does not directly change the encoded amino acid sequence of the IDH3A protein. It affects a nucleotide within the consensus splice site.

Literature cited by the submitters: PubMed 17576681; PubMed 9536098.